The following is an entry in ClinVar:

ClinVar aggregate classification (germline): Pathogenic. Review status: reviewed by expert panel (3 of 4 stars). 2 submissions from 2 submitters: Pathogenic (1). 1 of the submissions does not count toward it. Last evaluated 2020-12-08.

Conditions:
Phenylketonuria (PKU). Also called: Phenylketonurias; FOLLING DISEASE; Phenylketonuria (PKU); OLIGOPHRENIA PHENYLPYRUVICA. Identifiers: Orphanet 716, MedGen C0031485, MONDO:0009861, OMIM 261600. Disease mechanism: loss of function.

Allele frequency attached by ClinVar (database versions not stated): gnomAD exomes below 0.00001; TOPMed 0.00001.
gnomAD v4.1: 1 of 1,613,104 alleles (0.000062%); highest among the groups gnomAD compares: African/African-American, 0.0013%; no homozygotes.

Submissions (2):

ClinGen PAH Variant Curation Expert Panel
Classification: Pathogenic for Phenylketonuria. Last evaluated: 2020-12-08. Review status: reviewed by expert panel. Criteria: ClinGen PAH ACMG Specifications v1. Collection method: curation. Allele origin: germline. Inheritance: Autosomal recessive inheritance.
Comment: The NM_000277.3(PAH):c.703C>T (p.Gln235Ter) nonsense variant occurs in exon 6 of 13 and is predicted to result in NMD. In summary, this variant meets criteria to be classified as Pathogenic for PAH. PAH-specific ACMG/AMP criteria applied: PVS1, PM2, PP4.

Labcorp Genetics (formerly Invitae), Labcorp
Classification: Pathogenic for Phenylketonuria. Last evaluated: 2025-07-16. Review status: criteria provided, single submitter. Criteria: Invitae Variant Classification Sherloc (09022015). Collection method: clinical testing. Allele origin: germline. Not counted in ClinVar's aggregate classification.
Comment: This sequence change creates a premature translational stop signal (p.Gln235*) in the PAH gene. It is expected to result in an absent or disrupted protein product. Loss-of-function variants in PAH are known to be pathogenic (PMID: 1301187, 9634518). This variant is present in population databases (no rsID available, gnomAD 0.007%). This premature translational stop signal has been observed in individual(s) with hyperphenylalaninemia (PMID: 23352163). ClinVar contains an entry for this variant (Variation ID: 1693231). For these reasons, this variant has been classified as Pathogenic.

Literature cited by the submitters: PubMed 1301187 (cited by Labcorp Genetics (formerly Invitae), Labcorp); PubMed 9634518 (cited by Labcorp Genetics (formerly Invitae), Labcorp); PubMed 23352163 (cited by Labcorp Genetics (formerly Invitae), Labcorp).

NM_000277.3(PAH):c.703C>T (p.Gln235Ter)

Gene: PAH (phenylalanine hydroxylase; minus strand). Cytogenetic location: 12q23.2.
Variant type: single nucleotide variant.
Coding change: c.703C>T on transcript NM_000277.3 (MANE Select); coding-DNA position 703, C replaced by T.
Protein change: p.Gln235Ter; replaces glutamine 235 with a stop codon.
Molecular consequence: nonsense.
Genome position (GRCh38, 1-based): chr12:102,855,139, G>A on the plus strand (C>T on the coding strand, the complement: PAH is on the minus strand). VCF-style: chr12-102855139-G-A. GRCh37 (hg19) VCF-style: chr12-103248917-G-A.
Other names: NM_001354304.2:c.703C>T; c.703C>T, p.Gln235Ter (NM_001354304.2); short protein forms Q235*.
Identifiers: ClinVar variation 1693231 (VCV001693231.6), dbSNP rs1237792711, ClinGen allele CA16020845.